The following is an entry in ClinVar:

ClinVar aggregate classification (germline): Pathogenic/Likely pathogenic. Review status: criteria provided, multiple submitters, no conflicts (2 of 4 stars). 6 submissions from 6 submitters: Pathogenic (2); Likely pathogenic (1). 3 of the submissions do not count toward it. Last evaluated 2026-04-15.

Conditions:
CNGB3-related disorder. Also called: CNGB3-related condition; CNGB3-related disorders. Identifiers: MedGen CN239340.
Achromatopsia. Also called: Rod monochromatism. Identifiers: Orphanet 49382, MedGen C0152200, MONDO:0018852, HP:0011516.
Achromatopsia 3 (ACHM3). Also called: ACHROMATOPSIA WITH MYOPIA; PINGELAPESE BLINDNESS; TOTAL COLORBLINDNESS WITH MYOPIA; ROD MONOCHROMACY 1; ROD MONOCHROMATISM 1. Identifiers: Orphanet 49382, MedGen C1849792, MONDO:0009875, OMIM 262300.

Submissions (6):

Myriad Genetics, Inc.
Classification: Likely pathogenic for Achromatopsia 3. Last evaluated: 2026-04-15. Review status: criteria provided, single submitter. Criteria: Myriad Autosomal Dominant, Autosomal Recessive and X-Linked Classification Criteria (2023). Collection method: clinical testing. Allele origin: unknown.
Comment: NM_019098.4(CNGB3):c.1781+1delG is a variant in a canonical splice site classified as likely pathogenic in the context of achromatopsia, CNGB3-related. c.1781+1delG has been observed in a case with relevant disease (PMID: 28795510). Relevant functional assessments of this variant are not available in the literature. c.1781+1delG has not been observed in referenced population frequency databases. In summary, NM_019098.4(CNGB3):c.1781+1delG is a variant in a canonical splice site in a gene where loss of function is a known mechanism of disease, is predicted to disrupt protein function, and has been observed more frequently in cases with the relevant disease than in healthy populations. Please note: this variant was assessed in the context of healthy population screening.

Labcorp Genetics (formerly Invitae), Labcorp
Classification: Pathogenic. Last evaluated: 2024-03-17. Review status: criteria provided, single submitter. Criteria: Invitae Variant Classification Sherloc (09022015). Collection method: clinical testing. Allele origin: germline.
Comment: This sequence change affects a splice site in intron 15 of the CNGB3 gene. It is expected to disrupt RNA splicing. Variants that disrupt the donor or acceptor splice site typically lead to a loss of protein function (PMID: 16199547), and loss-of-function variants in CNGB3 are known to be pathogenic (PMID: 28795510). This variant is not present in population databases (gnomAD no frequency). Disruption of this splice site has been observed in individual(s) with achromatopsia (PMID: 28795510). In at least one individual the data is consistent with being in trans (on the opposite chromosome) from a pathogenic variant. ClinVar contains an entry for this variant (Variation ID: 427707). Algorithms developed to predict the effect of sequence changes on RNA splicing suggest that this variant may disrupt the consensus splice site. For these reasons, this variant has been classified as Pathogenic.

Blueprint Genetics
Classification: Pathogenic for CNGB3-related disorders. Last evaluated: 2021-03-04. Review status: criteria provided, single submitter. Criteria: ACMG Guidelines, 2015. Collection method: clinical testing. Allele origin: germline. Affected: yes. Observed: 2 variant alleles.

Natera, Inc.
Classification: Pathogenic for Achromatopsia. Last evaluated: 2020-10-23. Review status: no assertion criteria provided. Collection method: clinical testing. Allele origin: germline. Not counted in ClinVar's aggregate classification.

Molecular Genetics Laboratory, Institute for Ophthalmic Research
Classification: Pathogenic for ACHM3. Last evaluated: 2017-03-27. Review status: no assertion criteria provided. Collection method: research. Allele origin: germline. Affected: yes. Not counted in ClinVar's aggregate classification.

Counsyl
Classification: Likely pathogenic for Achromatopsia 3. Last evaluated: 2017-03-24. Review status: no assertion criteria provided. Collection method: clinical testing. Allele origin: unknown. Not counted in ClinVar's aggregate classification.

Literature cited by the submitters: PubMed 28795510 (cited by 3 submitters); PubMed 16199547 (cited by Labcorp Genetics (formerly Invitae), Labcorp).

NM_019098.5(CNGB3):c.1781+1del

Gene: CNGB3 (cyclic nucleotide gated channel subunit beta 3; minus strand). Cytogenetic location: 8q21.3.
Variant type: Deletion.
Coding change: c.1781+1del on transcript NM_019098.5 (MANE Select); the canonical splice donor site of the intron after coding-DNA position 1781, one base deleted (G; older notation c.1781+1delG).
Molecular consequence: splice donor variant.
Genome position (GRCh38, 1-based): chr8:86,604,092, C deleted on the plus strand (G on the coding strand, the reverse complement: CNGB3 is on the minus strand); the first of 2 consecutive C bases (chr8:86,604,092-86,604,093); deleting either gives the same sequence. VCF-style (leftmost placement, unchanged base first): chr8-86604091-AC-A. GRCh37 (hg19) VCF-style: chr8-87616319-AC-A.
Other names: c.1781+1delG (NM_019098.4).
Identifiers: ClinVar variation 427707 (VCV000427707.13), dbSNP rs1554607546, ClinGen allele CA645372463.